The following is an entry in ClinVar:

NM_001142966.3(GREB1L):c.532+5G>A

Genes: GREB1L (GREB1 like retinoic acid receptor coactivator; plus strand), GREB1L-AS1 (GREB1L antisense RNA 1; minus strand). Cytogenetic location: 18q11.1.
Variant type: single nucleotide variant.
Coding change: c.532+5G>A on transcript NM_001142966.3 (MANE Select); 5 bases into the intron after coding-DNA position 532, G replaced by A.
Molecular consequence: intron variant.
Genome position (GRCh38, 1-based): chr18:21,395,566, G>A. VCF-style: chr18-21395566-G-A. GRCh37 (hg19) VCF-style: chr18-18975527-G-A.
Other names: c.532+5G>A (NM_001410867.1, NM_001410868.1).
Identifiers: ClinVar variation 2631696 (VCV002631696.1), dbSNP rs2510905016, ClinGen allele CA2641211375.

ClinVar aggregate classification (germline): Uncertain significance (1 of 4 stars; one submission).

Conditions:
GREB1L-related disorder. Also called: GREB1L-related condition.

Submission:

PreventionGenetics, part of Exact Sciences
Classification: Uncertain significance for GREB1L-related condition. Last evaluated: 2023-07-06. Review status: criteria provided, single submitter. Criteria: ACMG Guidelines, 2015. Collection method: clinical testing. Allele origin: germline.
Comment: The GREB1L c.532+5G>A variant is predicted to interfere with splicing. This variant is predicted to possibly weaken the canonical donor splice site (Alamut Visual Plus v1.6.1). To our knowledge, this variant has not been reported in the literature or in a large population database, indicating this variant is rare. At this time, the clinical significance of this variant is uncertain due to the absence of conclusive functional and genetic evidence.